The following is an entry in ClinVar:

ClinVar aggregate classification (germline): Uncertain significance. Review status: criteria provided, multiple submitters, no conflicts (2 of 4 stars). 2 submissions from 2 submitters: Uncertain significance (2). Last evaluated 2024-12-11.

Conditions:
Inborn genetic diseases. Identifiers: MedGen C0950123, MeSH D030342.

Allele frequency attached by ClinVar (database versions not stated): gnomAD 0.00001; TOPMed 0.00001; gnomAD exomes 0.00002.
gnomAD v4.1: 21 of 1,209,805 alleles (0.0017%); highest among the groups gnomAD compares: Non-Finnish European, 0.0022%; no homozygotes.

Submissions (2):

Ambry Genetics
Classification: Uncertain significance for Inborn genetic diseases. Last evaluated: 2024-12-11. Review status: criteria provided, single submitter. Criteria: Ambry Variant Classification Scheme 2023. Collection method: clinical testing. Allele origin: germline.

GeneDx
Classification: Uncertain significance. Last evaluated: 2021-09-08. Review status: criteria provided, single submitter. Criteria: GeneDx Variant Classification Process June 2021. Collection method: clinical testing. Allele origin: germline. Affected: yes.
Comment: Has not been previously published as pathogenic or benign to our knowledge; Not observed in large population cohorts (gnomAD); In silico analysis supports that this missense variant does not alter protein structure/function

NM_004606.5(TAF1):c.5272A>G (p.Ile1758Val)

Gene: TAF1 (TATA-box binding protein associated factor 1; plus strand). Cytogenetic location: Xq13.1.
Variant type: single nucleotide variant.
Coding change: c.5272A>G on transcript NM_004606.5 (MANE Select); coding-DNA position 5272, A replaced by G.
Protein change: p.Ile1758Val; replaces isoleucine 1758 with valine.
Molecular consequence: missense variant. On other transcripts: non-coding transcript variant (9).
Genome position (GRCh38, 1-based): chrX:71,460,676, A>G. VCF-style: chrX-71460676-A-G. GRCh37 (hg19) VCF-style: chrX-70680526-A-G.
Other names: c.5278A>G, p.Ile1760Val (NM_001286074.2); c.5209A>G, p.Ile1737Val (NM_138923.4); c.5332A>G (NM_004606.3); short protein forms I1737V, I1758V, I1760V.
Identifiers: ClinVar variation 1338896 (VCV001338896.3), dbSNP rs762686999, ClinGen allele CA331024342.